The following is an entry in ClinVar:

NM_001130144.3(LTBP3):c.3535C>G (p.Pro1179Ala)

Gene: LTBP3 (latent transforming growth factor beta binding protein 3; minus strand). Cytogenetic location: 11q13.1.
Variant type: single nucleotide variant.
Coding change: c.3535C>G on transcript NM_001130144.3 (MANE Select); coding-DNA position 3535, C replaced by G.
Protein change: p.Pro1179Ala; replaces proline 1179 with alanine.
Molecular consequence: missense variant.
Genome position (GRCh38, 1-based): chr11:65,539,732, G>C on the plus strand (C>G on the coding strand, the complement: LTBP3 is on the minus strand). VCF-style: chr11-65539732-G-C. GRCh37 (hg19) VCF-style: chr11-65307203-G-C.
Other names: c.3043C>G, p.Pro1015Ala (NM_001164266.1); c.3394C>G, p.Pro1132Ala (NM_021070.4); short protein forms P1132A, P1179A, P1015A.
Identifiers: ClinVar variation 1357998 (VCV001357998.8), dbSNP rs2135118126, ClinGen allele CA381266673.

ClinVar aggregate classification (germline): Uncertain significance (1 of 4 stars; one submission).

Conditions:
Brachyolmia-amelogenesis imperfecta syndrome. Also called: PLATYSPONDYLY WITH AMELOGENESIS IMPERFECTA; Tooth agenesis, selective, 6; Dental anomalies and short stature. Identifiers: Orphanet 2899, MedGen C1832594, MONDO:0011018, OMIM 601216. Disease mechanism: loss of function.

Submission:

Labcorp Genetics (formerly Invitae), Labcorp
Classification: Uncertain significance for Brachyolmia-amelogenesis imperfecta syndrome. Last evaluated: 2021-05-31. Review status: criteria provided, single submitter. Criteria: Invitae Variant Classification Sherloc (09022015). Collection method: clinical testing. Allele origin: germline.
Comment: In summary, the available evidence is currently insufficient to determine the role of this variant in disease. Therefore, it has been classified as a Variant of Uncertain Significance. Algorithms developed to predict the effect of missense changes on protein structure and function (SIFT, PolyPhen-2, Align-GVGD) all suggest that this variant is likely to be disruptive, but these predictions have not been confirmed by published functional studies and their clinical significance is uncertain. This variant has not been reported in the literature in individuals with LTBP3-related conditions. The frequency data for this variant in the population databases is considered unreliable, as metrics indicate insufficient coverage at this position in the ExAC database. This sequence change replaces proline with alanine at codon 1179 of the LTBP3 protein (p.Pro1179Ala). The proline residue is highly conserved and there is a small physicochemical difference between proline and alanine.